The following is an entry in ClinVar:

ClinVar aggregate classification (germline): Uncertain significance (1 of 4 stars; one submission).

gnomAD v4.1: 28 of 1,522,578 alleles (0.0018%); highest among the groups gnomAD compares: Non-Finnish European, 0.0023%; no homozygotes.

Submission:

Women's Health and Genetics/Laboratory Corporation of America, LabCorp
Classification: Uncertain significance. Last evaluated: 2026-03-10. Review status: criteria provided, single submitter. Criteria: LabCorp Variant Classification Summary - May 2015. Collection method: clinical testing. Allele origin: germline.
Comment: Variant summary: SHOX c.688C>G (p.Pro230Ala) results in a non-conservative amino acid change in the encoded protein sequence. Algorithms developed to predict the effect of missense changes on protein structure and function are either unavailable or do not agree on the potential impact of this missense change. The variant allele was found at a frequency of 2.5e-05 in 121290 control chromosomes, predominantly at a frequency of 6.4e-05 within the Non-Finnish European subpopulation in the gnomAD database. The available data on variant occurrences in the general population are insufficient to allow any conclusion about variant significance. c.688C>G has been observed in an individual and their parent both with short stature, however no further clinical details were provided (Wolters_2013). This report does not provide unequivocal conclusions about association of the variant with SHOX-related conditions. To our knowledge, no experimental evidence demonstrating an impact on protein function has been reported. The following publication has been ascertained in the context of this evaluation (PMID: 24051572). ClinVar contains an entry for this variant (Variation ID: 3629991). Based on the evidence outlined above, the variant was classified as uncertain significance.

Literature cited by the submitters: PubMed 24051572.

NM_000451.4(SHOX):c.688C>G (p.Pro230Ala)

Gene: SHOX (SHOX homeobox; plus strand). Cytogenetic location: Xp22.33.
Variant type: single nucleotide variant.
Coding change: c.688C>G on transcript NM_000451.4 (MANE Select); coding-DNA position 688, C replaced by G.
Protein change: p.Pro230Ala; replaces proline 230 with alanine.
Molecular consequence: missense variant. On other transcripts: intron variant (1).
Genome position (GRCh38, 1-based): chrX:644,445, C>G. VCF-style: chrX-644445-C-G. GRCh37 (hg19) VCF-style: chrX-605180-C-G.
Other names: c.633+3358C>G (NM_006883.2); short protein forms P230A.
Identifiers: ClinVar variation 3629991 (VCV003629991.2).